The following is an entry in ClinVar:

NM_001348768.2(HECW2):c.4706T>C (p.Phe1569Ser)

Gene: HECW2 (HECT, C2 and WW domain containing E3 ubiquitin protein ligase 2; minus strand). Cytogenetic location: 2q32.3.
Variant type: single nucleotide variant.
Coding change: c.4706T>C on transcript NM_001348768.2 (MANE Select); coding-DNA position 4706, T replaced by C.
Protein change: p.Phe1569Ser; replaces phenylalanine 1569 with serine.
Molecular consequence: missense variant.
Genome position (GRCh38, 1-based): chr2:196,201,290, A>G on the plus strand (T>C on the coding strand, the complement: HECW2 is on the minus strand). VCF-style: chr2-196201290-A-G. GRCh37 (hg19) VCF-style: chr2-197066014-A-G.
Other names: c.3638T>C, p.Phe1213Ser (NM_001304840.3); c.4706T>C, p.Phe1569Ser (NM_020760.4); short protein forms F1213S, F1569S.
Identifiers: ClinVar variation 1028188 (VCV001028188.1), dbSNP rs1686848876, ClinGen allele CA350015267.
Genomic context (GRCh38, chr2:196,201,290, plus strand): 5'-AGCTTCTGAACCTGCCTGTCCACAGAGATGGGCATTCAGCTTCCAGGTCACTCAAGTCCA[A>G]AAGTACTGGTTTCTTCAACTGCTGTCAACAGTTTTTCATAAAGCATGGAAAAGGATGGGT-3'
Protein context (NP_001335697.1, residues 1559-1572): LLTAVEETST[Phe1569Ser]GLE

ClinVar aggregate classification (germline): Uncertain significance (1 of 4 stars; one submission).

Conditions:
Neurodevelopmental disorder with hypotonia, seizures, and absent language (NDHSAL). Identifiers: MedGen C4310643, MONDO:0014995, OMIM 617268.

Submission:

Baylor Genetics
Classification: Uncertain significance for Neurodevelopmental disorder with hypotonia, seizures, and absent language. Last evaluated: 2019-11-08. Review status: criteria provided, single submitter. Criteria: ACMG Guidelines, 2015. Collection method: clinical testing. Allele origin: unknown. Affected: yes.
Comment: This variant was determined to be of uncertain significance according to ACMG Guidelines, 2015 [PMID:25741868].